The following is an entry in ClinVar:

NM_000059.4(BRCA2):c.4354C>T (p.Gln1452Ter)

Gene: BRCA2 (BRCA2 DNA repair associated; plus strand). Cytogenetic location: 13q13.1.
Variant type: single nucleotide variant.
Coding change: c.4354C>T on transcript NM_000059.4 (MANE Select); coding-DNA position 4354, C replaced by T.
Protein change: p.Gln1452Ter; replaces glutamine 1452 with a stop codon.
Molecular consequence: nonsense.
Genome position (GRCh38, 1-based): chr13:32,338,709, C>T. VCF-style: chr13-32338709-C-T. GRCh37 (hg19) VCF-style: chr13-32912846-C-T.
Other names: short protein forms Q1452*.
Identifiers: ClinVar variation 379780 (VCV000379780.16), dbSNP rs431825319, ClinGen allele CA16606424.
Genomic context (GRCh38, chr13:32,338,709, plus strand): 5'-AGTGGGAAAAATATTAGTGTCGCCAAAGAGTCATTTAATAAAATTGTAAATTTCTTTGAT[C>T]AGAAACCAGAAGAATTGCATAACTTTTCCTTAAATTCTGAATTACATTCTGACATAAGAA-3'

ClinVar aggregate classification (germline): Pathogenic. Review status: reviewed by expert panel (3 of 4 stars). 5 submissions from 5 submitters: Pathogenic (1). 4 of the submissions do not count toward it. Last evaluated 2017-12-15.

Conditions:
Hereditary cancer-predisposing syndrome. Also called: Hereditary neoplastic syndrome; Tumor predisposition; Neoplastic Syndromes, Hereditary; Hereditary Cancer Syndrome. Identifiers: Orphanet 140162, MedGen C0027672, MeSH D009386, MONDO:0015356.
Hereditary breast ovarian cancer syndrome. Also called: Breast and ovarian cancer; Hereditary breast and ovarian cancer syndrome; Hereditary breast and ovarian cancer; Hereditary breast and/or ovarian cancer syndrome; Hereditary breast and ovarian cancer syndrome (HBOC); BRCA1- and BRCA2-Associated Hereditary Breast and Ovarian Cancer. Identifiers: Orphanet 145, MedGen C0677776, MeSH D061325, MONDO:0003582. Disease mechanism: loss of function.
Breast-ovarian cancer, familial, susceptibility to, 2 (BROVCA2). Also called: BRCA2 Hereditary Breast and Ovarian Cancer. Identifiers: Orphanet 145, MedGen C2675520, MONDO:0012933, OMIM 612555. Disease mechanism: loss of function.

Submissions (5):

Evidence-based Network for the Interpretation of Germline Mutant Alleles (ENIGMA)
Classification: Pathogenic for Breast-ovarian cancer, familial, susceptibility to, 2. Last evaluated: 2017-12-15. Review status: reviewed by expert panel. Criteria: ENIGMA BRCA1/2 Classification Criteria (2017-06-29). Collection method: curation. Allele origin: germline. Study: ENIGMA.
Comment: Variant allele predicted to encode a truncated non-functional protein.

Ambry Genetics
Classification: Pathogenic for Hereditary cancer-predisposing syndrome. Last evaluated: 2022-07-11. Review status: criteria provided, single submitter. Criteria: Ambry Variant Classification Scheme 2023. Collection method: clinical testing. Allele origin: germline. Not counted in ClinVar's aggregate classification.
Comment: The p.Q1452* pathogenic mutation (also known as c.4354C>T), located in coding exon 10 of the BRCA2 gene, results from a C to T substitution at nucleotide position 4354. This changes the amino acid from a glutamine to a stop codon within coding exon 10. This alteration was identified in an individual diagnosed with a triple negative breast cancer (Wong-Brown MW et al. Breast Cancer Res Treat, 2015 Feb;150:71-80). This variant is considered to be rare based on population cohorts in the Genome Aggregation Database (gnomAD). In addition to the clinical data presented in the literature, this alteration is expected to result in loss of function by premature protein truncation or nonsense-mediated mRNA decay. As such, this alteration is interpreted as a disease-causing mutation.

Women's Health and Genetics/Laboratory Corporation of America, LabCorp
Classification: Pathogenic for Hereditary breast ovarian cancer syndrome. Last evaluated: 2021-09-07. Review status: criteria provided, single submitter. Criteria: LabCorp Variant Classification Summary - May 2015. Collection method: clinical testing. Allele origin: germline. Not counted in ClinVar's aggregate classification.
Comment: Variant summary: BRCA2 c.4354C>T (p.Gln1452X) results in a premature termination codon, predicted to cause a truncation of the encoded protein or absence of the protein due to nonsense mediated decay, which are commonly known mechanisms for disease. Truncations downstream of this position have been classified as pathogenic by our laboratory. The variant was absent in 242216 control chromosomes (gnomAD). c.4354C>T has been reported in the literature in at least one individual affected with Hereditary Breast And Ovarian Cancer Syndrome (e.g. Wong-Brown_2015). To our knowledge, no experimental evidence demonstrating an impact on protein function has been reported. Three ClinVar submitters including an expert panel (ENIGMA) (evaluation after 2014) cite the variant as pathogenic. Based on the evidence outlined above, the variant was classified as pathogenic.

Labcorp Genetics (formerly Invitae), Labcorp
Classification: Pathogenic for Hereditary breast ovarian cancer syndrome. Last evaluated: 2018-12-22. Review status: criteria provided, single submitter. Criteria: Invitae Variant Classification Sherloc (09022015). Collection method: clinical testing. Allele origin: germline. Not counted in ClinVar's aggregate classification.
Comment: This sequence change creates a premature translational stop signal (p.Gln1452*) in the BRCA2 gene. It is expected to result in an absent or disrupted protein product. This variant is not present in population databases (ExAC no frequency). This variant has been observed in an individual affected with breast cancer (PMID: 25682074). ClinVar contains an entry for this variant (Variation ID: 379780). Loss-of-function variants in BRCA2 are known to be pathogenic (PMID: 20104584). For these reasons, this variant has been classified as Pathogenic.

GeneDx
Classification: Pathogenic. Last evaluated: 2018-12-13. Review status: criteria provided, single submitter. Criteria: GeneDx Variant Classification (06012015). Collection method: clinical testing. Allele origin: germline. Affected: yes. Not counted in ClinVar's aggregate classification.
Comment: This pathogenic variant is denoted BRCA2 c.4354C>T at the cDNA level and p.Gln1452Ter (Q1452X) at the protein level. The substitution creates a nonsense variant, which changes a Glutamine to a premature stop codon (CAG>TAG), and is predicted to cause loss of normal protein function through either protein truncation or nonsense-mediated mRNA decay.

Literature cited by the submitters: PubMed 25682074 (cited by 3 submitters); PubMed 20104584 (cited by Labcorp Genetics (formerly Invitae), Labcorp).